The following is an entry in ClinVar:

NM_000069.3(CACNA1S):c.2069_2070del (p.Leu690fs)

Gene: CACNA1S (calcium voltage-gated channel subunit alpha1 S; minus strand). Cytogenetic location: 1q32.1.
Variant type: Microsatellite.
Coding change: c.2069_2070del on transcript NM_000069.3 (MANE Select); coding-DNA positions 2069 to 2070, 2 bases deleted (TC; older notation c.2069_2070delTC).
Protein change: p.Leu690fs; shifts the reading frame from leucine 690.
Molecular consequence: frameshift variant.
Genome position (GRCh38, 1-based): chr1:201,073,636-201,073,637, GA deleted on the plus strand (TC on the coding strand, the reverse complement: CACNA1S is on the minus strand); deleting any 2 consecutive bases within chr1:201,073,636-201,073,639 gives the same sequence; the c. name uses the placement nearest the transcript's 3' end. VCF-style (leftmost placement, unchanged base first): chr1-201073635-GGA-G. GRCh37 (hg19) VCF-style: chr1-201042763-GGA-G.
Other names: short protein forms L690fs.
Identifiers: ClinVar variation 3070248 (VCV003070248.1), dbSNP rs2464550811, ClinGen allele CA2825000884.
Genomic context (GRCh38, chr1:201,073,635, plus strand): 5'-CCTTGGGTTTCTGCTCCAGCTTCTTGGCCATCGTTGACTTCTCCTCTTCTGACTTGTCTG[GGA>G]GACCCCTGAGTTAGAAAACCCAAAGTGGAAGCCAAACCAGAAAGTTCTCAGGGATCTGCT-3'

ClinVar aggregate classification (germline): Uncertain significance (1 of 4 stars; one submission).

Conditions:
Malignant hyperthermia, susceptibility to, 5 (MHS5). Also called: CACNA1S-Related Malignant Hyperthermia Susceptibility. Identifiers: Orphanet 423, MedGen C1866077, MONDO:0011163, OMIM 601887.

Submission:

All of Us Research Program, National Institutes of Health
Classification: Uncertain significance for Malignant hyperthermia, susceptibility to, 5. Last evaluated: 2023-04-03. Review status: criteria provided, single submitter. Criteria: ACMG Guidelines, 2015. Collection method: clinical testing. Allele origin: germline. Inheritance: Autosomal dominant inheritance. Observed: 1 variant allele, 1 heterozygote.
Comment: This pathogenicity assessment is for autosomal dominant malignant hyperthermia susceptibility phenotype. This frameshift variant is predicted to result in an absent or nonfunctional CACNA1S protein product. Loss of CACNA1S gene function due to truncation and splice variants is thought to cause congenital myopathy and hypokalemic periodic paralysis (PMID: 28012042, 34608571, 34777470). However, the role of such loss-of-function variants in autosomal dominant malignant hyperthermia susceptibility is not clearly understood. Therefore, this variant is classified as a Variant of Uncertain Significance.

This study involves interpretation of variants in research participants for the purpose of population health screening. Participant phenotype was not available at the time of variant classification. Additional details can be found in publication PMID: 35346344, PMCID: PMC8962531

Literature cited by the submitters: PubMed 28012042; PubMed 34608571; PubMed 34777470.